The following is an entry in ClinVar:

ClinVar aggregate classification (germline): Uncertain significance (1 of 4 stars; one submission).

Conditions:
PLXNA4-related disorder. Also called: PLXNA4-related condition.

gnomAD v4.1: 6 of 1,604,072 alleles (0.00037%); highest among the groups gnomAD compares: Non-Finnish European, 0.00051%; no homozygotes.

Submission:

PreventionGenetics, part of Exact Sciences
Classification: Uncertain significance for PLXNA4-related condition. Last evaluated: 2026-01-21. Review status: criteria provided, single submitter. Criteria: ACMG Guidelines, 2015. Collection method: clinical testing. Allele origin: germline.
Comment: The PLXNA4 c.3643C>T variant is predicted to result in the amino acid substitution p.Arg1215Cys. To our knowledge, this variant has not been reported in the literature or in a large population database (gnomAD), indicating this variant is rare. At this time, the clinical significance of this variant is uncertain due to the absence of conclusive functional and genetic evidence.

NM_020911.2(PLXNA4):c.3643C>T (p.Arg1215Cys)

Gene: PLXNA4 (plexin A4; minus strand). Cytogenetic location: 7q32.3.
Variant type: single nucleotide variant.
Coding change: c.3643C>T on transcript NM_020911.2 (MANE Select); coding-DNA position 3643, C replaced by T.
Protein change: p.Arg1215Cys; replaces arginine 1215 with cysteine.
Molecular consequence: missense variant.
Genome position (GRCh38, 1-based): chr7:132,179,918, G>A on the plus strand (C>T on the coding strand, the complement: PLXNA4 is on the minus strand). VCF-style: chr7-132179918-G-A. GRCh37 (hg19) VCF-style: chr7-131864677-G-A.
Other names: c.3643C>T, p.Arg1215Cys (NM_001393897.1); short protein forms R1215C.
Identifiers: ClinVar variation 4983259 (VCV004983259.1).